The following is an entry in ClinVar:

ClinVar aggregate classification (germline): Uncertain significance (1 of 4 stars; one submission).

Conditions:
Gastrointestinal stromal tumor. Also called: Gastrointestinal stromal tumor, somatic; Gastrointestinal stroma tumor. Identifiers: Orphanet 44890, MedGen C0238198, MeSH D046152, MONDO:0011719, OMIM 606764, HP:0100723.

Submission:

Labcorp Genetics (formerly Invitae), Labcorp
Classification: Uncertain significance for Gastrointestinal stromal tumor. Last evaluated: 2024-06-09. Review status: criteria provided, single submitter. Criteria: Invitae Variant Classification Sherloc (09022015). Collection method: clinical testing. Allele origin: germline.
Comment: This sequence change replaces tryptophan, which is neutral and slightly polar, with arginine, which is basic and polar, at codon 582 of the KIT protein (p.Trp582Arg). This variant is not present in population databases (gnomAD no frequency). This variant has not been reported in the literature in individuals affected with KIT-related conditions. An algorithm developed to predict the effect of missense changes on protein structure and function (PolyPhen-2) suggests that this variant is likely to be disruptive. In summary, the available evidence is currently insufficient to determine the role of this variant in disease. Therefore, it has been classified as a Variant of Uncertain Significance.

NM_000222.3(KIT):c.1744T>C (p.Trp582Arg)

Gene: KIT (KIT proto-oncogene, receptor tyrosine kinase; plus strand). Cytogenetic location: 4q12.
Variant type: single nucleotide variant.
Coding change: c.1744T>C on transcript NM_000222.3 (MANE Select); coding-DNA position 1744, T replaced by C.
Protein change: p.Trp582Arg; replaces tryptophan 582 with arginine.
Molecular consequence: missense variant.
Genome position (GRCh38, 1-based): chr4:54,727,512, T>C. VCF-style: chr4-54727512-T-C. GRCh37 (hg19) VCF-style: chr4-55593678-T-C.
Other names: c.1732T>C, p.Trp578Arg (NM_001093772.2, NM_001385286.1); c.1747T>C, p.Trp583Arg (NM_001385284.1, NM_001385290.1); c.1744T>C, p.Trp582Arg (NM_001385285.1); c.1735T>C, p.Trp579Arg (NM_001385288.1, NM_001385292.1); short protein forms W582R, W583R, W579R, W578R.
Identifiers: ClinVar variation 3655972 (VCV003655972.2).
Genomic context (GRCh38, chr4:54,727,512, plus strand): 5'-GAGATAAATGGAAACAATTATGTTTACATAGACCCAACACAACTTCCTTATGATCACAAA[T>C]GGGAGTTTCCCAGAAACAGGCTGAGTTTTGGTCAGTATGAAACAGGGGCTTTCCATGTCA-3'
Protein context (NP_000213.1, residues 572-592): DPTQLPYDHK[Trp582Arg]EFPRNRLSFG